The following is an entry in ClinVar:

NM_014991.6(WDFY3):c.7757T>G (p.Met2586Arg)

Gene: WDFY3 (WD repeat and FYVE domain containing 3; minus strand). Cytogenetic location: 4q21.23.
Variant type: single nucleotide variant.
Coding change: c.7757T>G on transcript NM_014991.6 (MANE Select); coding-DNA position 7757, T replaced by G.
Protein change: p.Met2586Arg; replaces methionine 2586 with arginine.
Molecular consequence: missense variant.
Genome position (GRCh38, 1-based): chr4:84,717,014, A>C on the plus strand (T>G on the coding strand, the complement: WDFY3 is on the minus strand). VCF-style: chr4-84717014-A-C. GRCh37 (hg19) VCF-style: chr4-85638167-A-C.
Other names: short protein forms M2586R.
Identifiers: ClinVar variation 2504895 (VCV002504895.3), dbSNP rs1734056195, ClinGen allele CA357542460.

ClinVar aggregate classification (germline): Uncertain significance. Review status: criteria provided, multiple submitters, no conflicts (2 of 4 stars). 2 submissions from 2 submitters: Uncertain significance (2). Last evaluated 2025-10-28.

Submissions (2):

Women's Health and Genetics/Laboratory Corporation of America, LabCorp
Classification: Uncertain significance. Last evaluated: 2025-10-28. Review status: criteria provided, single submitter. Criteria: LabCorp Variant Classification Summary - May 2015. Collection method: clinical testing. Allele origin: germline.
Comment: Variant summary: WDFY3 c.7757T>G (p.Met2586Arg) results in a non-conservative amino acid change located in the PH-BEACH domain (IPR023362) of the encoded protein sequence. Algorithms developed to predict the effect of missense changes on protein structure and function are either unavailable or do not agree on the potential impact of this missense change. Several computational tools predict a significant impact on normal splicing: One predict the variant no significant impact on splicing. Three predict the variant weakens a 3' acceptor site. Two predict the variant creates a 3' acceptor site. However, these predictions have yet to be confirmed by functional studies. The variant was absent in 235616 control chromosomes. The available data on variant occurrences in the general population are insufficient to allow any conclusion about variant significance. To our knowledge, no occurrence of c.7757T>G in individuals affected with WDFY3-related conditions and no experimental evidence demonstrating its impact on protein function have been reported. ClinVar contains an entry for this variant (Variation ID: 2504895). Based on the evidence outlined above, the variant was classified as uncertain significance.

GeneDx
Classification: Uncertain significance. Last evaluated: 2022-12-08. Review status: criteria provided, single submitter. Criteria: GeneDx Variant Classification Process June 2021. Collection method: clinical testing. Allele origin: germline. Affected: yes.
Comment: Not observed at significant frequency in large population cohorts (gnomAD); In silico analysis supports that this missense variant has a deleterious effect on protein structure/function; Has not been previously published as pathogenic or benign to our knowledge